The following is an entry in ClinVar:

NM_000136.3(FANCC):c.1312_1329+68dup

Genes: AOPEP (aminopeptidase O (putative); plus strand), FANCC (FA complementation group C; minus strand). Cytogenetic location: 9q22.32.
Variant type: Duplication.
Coding change: c.1312_1329+68dup on transcript NM_000136.3 (MANE Select); coding-DNA position 1312 through 68 bases into the intron after coding-DNA position 1329, 86 bases duplicated.
Molecular consequence: splice donor variant.
Genome position (GRCh38, 1-based): chr9:95,111,395-95,111,480, 86 bases duplicated. GRCh37 (hg19): chr9:97,873,679-97,873,764.
Other names: c.1312_1329+68dup (NM_001243743.2); c.1312_1330-50dup (NM_001243744.2).
Identifiers: ClinVar variation 456154 (VCV000456154.3), dbSNP rs1554829415, ClinGen allele CA658657888.

ClinVar aggregate classification (germline): Pathogenic (1 of 4 stars; one submission).

Conditions:
Fanconi anemia (FA). Also called: Fanconi's anemia. Identifiers: Orphanet 84, MedGen C0015625, MeSH D005199, MONDO:0019391.

Submission:

Labcorp Genetics (formerly Invitae), Labcorp
Classification: Pathogenic for Fanconi anemia. Last evaluated: 2017-07-14. Review status: criteria provided, single submitter. Criteria: Invitae Variant Classification Sherloc (09022015). Collection method: clinical testing. Allele origin: germline.
Comment: This variant is not present in population databases (ExAC no frequency). This sequence change creates a premature translational stop signal (p.Gln437Hisfs*39) in the FANCC gene. It is expected to result in an absent or disrupted protein product. This variant has not been reported in the literature in individuals with FANCC-related disease. Algorithms developed to predict the effect of sequence changes on RNA splicing suggest that this variant may create or strengthen a splice site, but this prediction has not been confirmed by published transcriptional studies. Loss-of-function variants in FANCC are known to be pathogenic (PMID: 24773018). For these reasons, this variant has been classified as Pathogenic.

Literature cited by the submitters: PubMed 24773018.